The following is an entry in ClinVar:

NM_001999.4(FBN2):c.1040G>A (p.Arg347His)

Gene: FBN2 (fibrillin 2; minus strand). Cytogenetic location: 5q23.3.
Variant type: single nucleotide variant.
Coding change: c.1040G>A on transcript NM_001999.4 (MANE Select); coding-DNA position 1040, G replaced by A.
Protein change: p.Arg347His; replaces arginine 347 with histidine.
Molecular consequence: missense variant.
Genome position (GRCh38, 1-based): chr5:128,408,712, C>T on the plus strand (G>A on the coding strand, the complement: FBN2 is on the minus strand). VCF-style: chr5-128408712-C-T. GRCh37 (hg19) VCF-style: chr5-127744405-C-T.
Other names: short protein forms R347H.
Identifiers: ClinVar variation 210993 (VCV000210993.74), dbSNP rs112428886, ClinGen allele CA319745.

ClinVar aggregate classification (germline): Benign/Likely benign. Review status: criteria provided, multiple submitters, no conflicts (2 of 4 stars). 19 submissions from 18 submitters: Benign (10); Likely benign (7). 2 of the submissions do not count toward it. Last evaluated 2026-09-01.

Conditions:
Ehlers-Danlos syndrome (EDS). Identifiers: Orphanet 98249, MedGen C0013720, MONDO:0020066.
Connective tissue disorder. Also called: Connective tissue disease. Identifiers: MedGen C0009782, MONDO:0003900.
Familial thoracic aortic aneurysm and aortic dissection (TAAD). Also called: Thoracic aortic aneurysms and dissections. Identifiers: Orphanet 91387, MedGen C4707243, MONDO:0019625.
Congenital contractural arachnodactyly (CCA). Also called: Arthrogryposis, distal, type 9; Beals-Hecht syndrome; BEALS SYNDROME. Identifiers: Orphanet 115, MedGen C0220668, MONDO:0007363, OMIM 121050.

Allele frequency attached by ClinVar (database versions not stated): ESP Exome Variant Server 0.00492; 1000 Genomes Project 30x 0.00094; 1000 Genomes Project 0.00120; TOPMed 0.00385; gnomAD 0.00419 and 0.00427; ExAC 0.00451.
gnomAD v4.1: 9,518 of 1,613,982 alleles (0.59%); highest among the groups gnomAD compares: Non-Finnish European, 0.7%; 36 homozygotes.

Submissions (19):

CeGaT Center for Human Genetics Tuebingen
Classification: Likely benign. Last evaluated: 2026-09-01. Review status: criteria provided, single submitter. Criteria: CeGaT Center For Human Genetics Tuebingen Variant Classification Criteria Version 2. Collection method: clinical testing. Allele origin: germline. Affected: yes. Observed: 30 variant alleles.
Comment: FBN2: BS2

Labcorp Genetics (formerly Invitae), Labcorp
Classification: Benign for Congenital contractural arachnodactyly. Last evaluated: 2026-02-03. Review status: criteria provided, single submitter. Criteria: Invitae Variant Classification Sherloc (09022015). Collection method: clinical testing. Allele origin: germline.

Mayo Clinic Laboratories, Mayo Clinic
Classification: Benign. Last evaluated: 2025-09-02. Review status: criteria provided, single submitter. Criteria: ACMG Guidelines, 2015. Collection method: clinical testing. Allele origin: germline. Observed: 19 variant alleles.
Comment: BS1, BS2

ARUP Laboratories, Molecular Genetics and Genomics, ARUP Laboratories
Classification: Benign. Last evaluated: 2025-06-12. Review status: criteria provided, single submitter. Criteria: ARUP Molecular Germline Variant Investigation Process 2024. Collection method: clinical testing. Allele origin: germline.

Blueprint Genetics
Classification: Likely benign. Last evaluated: 2024-11-26. Review status: criteria provided, single submitter. Criteria: ACMG Guidelines, 2015. Collection method: clinical testing. Allele origin: germline.

Genome Diagnostics Laboratory, The Hospital for Sick Children
Classification: Benign for Ehlers-Danlos syndrome. Last evaluated: 2022-06-10. Review status: criteria provided, single submitter. Criteria: ACMG Guidelines, 2015. Collection method: clinical testing. Allele origin: germline.

Genome Diagnostics Laboratory, The Hospital for Sick Children
Classification: Benign for Connective tissue disorder. Last evaluated: 2021-12-22. Review status: criteria provided, single submitter. Criteria: ACMG Guidelines, 2015. Collection method: clinical testing. Allele origin: germline.

Ambry Genetics
Classification: Likely benign for Familial thoracic aortic aneurysm and aortic dissection. Last evaluated: 2018-06-06. Review status: criteria provided, single submitter. Criteria: Ambry Variant Classification Scheme 2023. Collection method: clinical testing. Allele origin: germline.

Illumina Laboratory Services, Illumina
Classification: Benign for Congenital contractural arachnodactyly. Last evaluated: 2018-01-12. Review status: criteria provided, single submitter. Criteria: ICSL Variant Classification Criteria 13 December 2019. Collection method: clinical testing. Allele origin: germline.
Comment: This variant was observed in the ICSL laboratory as part of a predisposition screen in an ostensibly healthy population. It had not been previously curated by ICSL or reported in the Human Gene Mutation Database (HGMD: prior to June 1st, 2018), and was therefore a candidate for classification through an automated scoring system. Utilizing variant allele frequency, disease prevalence and penetrance estimates, and inheritance mode, an automated score was calculated to assess if this variant is too frequent to cause the disease. Based on the score and internal cut-off values, a variant classified as benign is not then subjected to further curation. The score for this variant resulted in a classification of benign for this disease.

GeneDx
Classification: Benign. Last evaluated: 2017-09-22. Review status: criteria provided, single submitter. Criteria: GeneDx Variant Classification (06012015). Collection method: clinical testing. Allele origin: germline. Affected: yes.
Comment: This variant is considered likely benign or benign based on one or more of the following criteria: it is a conservative change, it occurs at a poorly conserved position in the protein, it is predicted to be benign by multiple in silico algorithms, and/or has population frequency not consistent with disease.

Center for Pediatric Genomic Medicine, Children's Mercy Hospital and Clinics
Classification: Likely benign. Last evaluated: 2017-08-10. Review status: criteria provided, single submitter. Criteria: ACMG Guidelines, 2015. Collection method: clinical testing. Allele origin: germline.

Women's Health and Genetics/Laboratory Corporation of America, LabCorp
Classification: Benign. Last evaluated: 2017-03-29. Review status: criteria provided, single submitter. Criteria: LabCorp Variant Classification Summary - May 2015. Collection method: clinical testing. Allele origin: germline.
Comment: Variant summary: The FBN2 c.1040G>A (p.Arg347His) variant involves the alteration of a non-conserved nucleotide. 3/4 in silico tools predict a damaging outcome for this variant (SNPs&GO not captured due to low reliability index). This variant was found in 547/121296 control chromosomes (3 homozygotes) at a frequency of 0.0045096, which is approximately 3608 times the estimated maximal expected allele frequency of a pathogenic FBN2 variant (0.0000013), suggesting this variant is likely a benign polymorphism. In addition, multiple clinical diagnostic laboratories/reputable databases classified this variant as likely benign/benign. Taken together, this variant is classified as benign.

Center for Human Genetics, Inc
Classification: Likely benign for Connective tissue disorder. Last evaluated: 2016-11-01. Review status: criteria provided, single submitter. Criteria: ACMG Guidelines, 2015. Collection method: clinical testing. Allele origin: germline. Affected: yes.

Eurofins Ntd Llc (ga)
Classification: Benign. Last evaluated: 2016-08-26. Review status: criteria provided, single submitter. Criteria: EGL Classification Definitions 2015. Collection method: clinical testing. Allele origin: germline. Observed: 1 variant allele, 1 heterozygote.

Genetic Services Laboratory, University of Chicago
Classification: Likely benign. Last evaluated: 2015-06-16. Review status: criteria provided, single submitter. Criteria: ACMG Guidelines, 2015. Collection method: clinical testing. Allele origin: germline.

Breakthrough Genomics
Classification: Likely benign. Review status: criteria provided, single submitter. Criteria: ACMG Guidelines, 2015. Collection method: not provided. Allele origin: germline. Inheritance: Autosomal dominant inheritance. Affected: yes.

PreventionGenetics, part of Exact Sciences
Classification: Benign. Review status: criteria provided, single submitter. Criteria: ACMG Guidelines, 2015. Collection method: clinical testing. Allele origin: germline.

Genome Diagnostics Laboratory, University Medical Center Utrecht
Classification: Likely benign. Review status: no assertion criteria provided. Collection method: clinical testing. Allele origin: germline. Affected: yes. Study: VKGL Data-share Consensus. Not counted in ClinVar's aggregate classification.

Laboratory of Diagnostic Genome Analysis, Leiden University Medical Center (LUMC)
Classification: Likely benign. Review status: no assertion criteria provided. Collection method: clinical testing. Allele origin: germline. Affected: yes. Study: VKGL Data-share Consensus. Not counted in ClinVar's aggregate classification.

Literature cited by the submitters: PubMed 26854089 (cited by Mayo Clinic Laboratories, Mayo Clinic).